The following is an entry in ClinVar:

ClinVar aggregate classification (germline): Uncertain significance (1 of 4 stars; one submission).

Conditions:
Hereditary cancer-predisposing syndrome. Also called: Neoplastic Syndromes, Hereditary; Tumor predisposition; Hereditary Cancer Syndrome; Hereditary neoplastic syndrome. Identifiers: Orphanet 140162, MedGen C0027672, MeSH D009386, MONDO:0015356.

Submission:

Ambry Genetics
Classification: Uncertain significance for Hereditary cancer-predisposing syndrome. Last evaluated: 2017-12-18. Review status: criteria provided, single submitter. Criteria: Ambry Variant Classification Scheme 2023. Collection method: clinical testing. Allele origin: germline.
Comment: The c.2124_2135del12ins10 variant, located in coding exon 8 of the MET gene, results from the deletion of 12 nucleotides and insertion of 10 nucleotides causing a translational frameshift with a predicted alternate stop codon (p.E708Dfs*11). This alteration is expected to result in loss of function by premature protein truncation or nonsense-mediated mRNA decay. However, loss of function of MET has not been clearly established as a mechanism of disease. Since supporting evidence is limited at this time, the clinical significance of this alteration remains unclear.

NM_000245.4(MET):c.2124_2135delinsCACTGTTTCA (p.Glu708fs)

Gene: MET (MET proto-oncogene, receptor tyrosine kinase; plus strand). Cytogenetic location: 7q31.2.
Variant type: Indel.
Coding change: c.2124_2135delinsCACTGTTTCA on transcript NM_000245.4 (MANE Select); coding-DNA positions 2124 to 2135, ATGTTATACCCC replaced by CACTGTTTCA.
Protein change: p.Glu708fs; shifts the reading frame from glutamic acid 708.
Molecular consequence: frameshift variant.
Genome position (GRCh38, 1-based): chr7:116,758,480-116,758,491, ATGTTATACCCC replaced by CACTGTTTCA. VCF-style: chr7-116758480-ATGTTATACCCC-CACTGTTTCA. GRCh37 (hg19) VCF-style: chr7-116398534-ATGTTATACCCC-CACTGTTTCA.
Other names: c.2124_2135delinsCACTGTTTCA, p.Glu708fs (NM_001127500.3, NM_001324401.3); c.834_845delinsCACTGTTTCA, p.Glu278fs (NM_001324402.2); c.2124_2135del12insCACTGTTTCA (NM_001127500.1); short protein forms E708fs, E278fs.
Identifiers: ClinVar variation 1786280 (VCV001786280.2), dbSNP rs2485719678, ClinGen allele CA2580076281.